The following is an entry in ClinVar:

ClinVar aggregate classification (germline): Uncertain significance (1 of 4 stars; one submission).

Conditions:
Hereditary pancreatitis (PCTT). Also called: Hereditary chronic pancreatitis; PRSS1-Related Hereditary Pancreatitis. Identifiers: Orphanet 676, MedGen C0238339, MONDO:0008185, OMIM 167800.

Submission:

Ambry Genetics
Classification: Uncertain significance for Hereditary pancreatitis. Last evaluated: 2025-06-02. Review status: criteria provided, single submitter. Criteria: Ambry Variant Classification Scheme 2023. Collection method: clinical testing. Allele origin: germline.
Comment: The p.L52H variant (also known as c.155T>A), located in coding exon 2 of the PRSS1 gene, results from a T to A substitution at nucleotide position 155. The leucine at codon 52 is replaced by histidine, an amino acid with similar properties. This amino acid position is conserved. In addition, this alteration is predicted to be deleterious by in silico analysis. Based on the available evidence, the clinical significance of this variant remains unclear.

NM_002769.5(PRSS1):c.155T>A (p.Leu52His)

Genes: PRSS1 (serine protease 1; plus strand), TRB (T cell receptor beta locus; plus strand). Cytogenetic location: 7q34.
Variant type: single nucleotide variant.
Coding change: c.155T>A on transcript NM_002769.5 (MANE Select); coding-DNA position 155, T replaced by A.
Protein change: p.Leu52His; replaces leucine 52 with histidine.
Molecular consequence: missense variant. On other transcripts: non-coding transcript variant (4).
Genome position (GRCh38, 1-based): chr7:142,750,669, T>A. VCF-style: chr7-142750669-T-A. GRCh37 (hg19) VCF-style: chr7-142458520-T-A.
Other names: short protein forms L52H.
Identifiers: ClinVar variation 3939059 (VCV003939059.1).